The following is an entry in ClinVar:

NM_001385012.1(NBEA):c.118_119delinsCC (p.Ser40Pro)

Gene: NBEA (neurobeachin; plus strand). Cytogenetic location: 13q13.3.
Variant type: Indel.
Coding change: c.118_119delinsCC on transcript NM_001385012.1 (MANE Select); coding-DNA positions 118 to 119, AG replaced by CC.
Protein change: p.Ser40Pro; replaces serine 40 with proline.
Molecular consequence: missense variant.
Genome position (GRCh38, 1-based): chr13:34,942,938-34,942,939, AG replaced by CC. VCF-style: chr13-34942938-AG-CC. GRCh37 (hg19) VCF-style: chr13-35517075-AG-CC.
Other names: c.118_119delinsCC, p.Ser40Pro (NM_001379245.1, NM_015678.5); short protein forms S40P.
Identifiers: ClinVar variation 3061173 (VCV003061173.2), dbSNP rs2500555346, ClinGen allele CA2499553743.

ClinVar aggregate classification (germline): Uncertain significance (0 of 4 stars; one submission).

Conditions:
NBEA-related disorder. Also called: NBEA-related condition.

Submission:

PreventionGenetics, part of Exact Sciences
Classification: Uncertain significance for NBEA-related condition. Last evaluated: 2024-02-15. Review status: no assertion criteria provided. Collection method: clinical testing. Allele origin: germline.
Comment: The NBEA c.118_119delinsCC variant is predicted to result in an in-frame deletion and insertion. To our knowledge, this variant has not been reported in the literature or in a large population database, indicating this variant is rare. At this time, the clinical significance of this variant is uncertain due to the absence of conclusive functional and genetic evidence.